The following is an entry in ClinVar:

NM_005120.3(MED12):c.1622G>A (p.Cys541Tyr)

Genes: MED12 (mediator complex subunit 12; plus strand), LOC126863275 (BRD4-independent group 4 enhancer GRCh37_chrX:70342400-70343599; plus strand). Cytogenetic location: Xq13.1.
Variant type: single nucleotide variant.
Coding change: c.1622G>A on transcript NM_005120.3 (MANE Select); coding-DNA position 1622, G replaced by A.
Protein change: p.Cys541Tyr; replaces cysteine 541 with tyrosine.
Molecular consequence: missense variant.
Genome position (GRCh38, 1-based): chrX:71,123,598, G>A. VCF-style: chrX-71123598-G-A. GRCh37 (hg19) VCF-style: chrX-70343448-G-A.
Other names: short protein forms C541Y.
Identifiers: ClinVar variation 2121773 (VCV002121773.4), dbSNP rs2519673758, ClinGen allele CA413507948.

ClinVar aggregate classification (germline): Uncertain significance (1 of 4 stars; one submission).

Conditions:
FG syndrome (FGS). Identifiers: MedGen C0220769, MONDO:0002010.

Submission:

Labcorp Genetics (formerly Invitae), Labcorp
Classification: Uncertain significance for FG syndrome. Last evaluated: 2022-04-05. Review status: criteria provided, single submitter. Criteria: Invitae Variant Classification Sherloc (09022015). Collection method: clinical testing. Allele origin: germline.
Comment: This sequence change replaces cysteine, which is neutral and slightly polar, with tyrosine, which is neutral and polar, at codon 541 of the MED12 protein (p.Cys541Tyr). This variant is not present in population databases (gnomAD no frequency). This variant has not been reported in the literature in individuals affected with MED12-related conditions. Algorithms developed to predict the effect of missense changes on protein structure and function are either unavailable or do not agree on the potential impact of this missense change (SIFT: "Deleterious"; PolyPhen-2: "Benign"; Align-GVGD: "Class C0"). In summary, the available evidence is currently insufficient to determine the role of this variant in disease. Therefore, it has been classified as a Variant of Uncertain Significance.